The following is an entry in ClinVar:

NM_000179.3(MSH6):c.2258C>T (p.Ser753Phe)

Gene: MSH6 (mutS homolog 6; plus strand). Cytogenetic location: 2p16.3.
Variant type: single nucleotide variant.
Coding change: c.2258C>T on transcript NM_000179.3 (MANE Select); coding-DNA position 2258, C replaced by T.
Protein change: p.Ser753Phe; replaces serine 753 with phenylalanine.
Molecular consequence: missense variant.
Genome position (GRCh38, 1-based): chr2:47,800,241, C>T. VCF-style: chr2-47800241-C-T. GRCh37 (hg19) VCF-style: chr2-48027380-C-T.
Other names: c.1868C>T, p.Ser623Phe (NM_001281492.2); c.1352C>T, p.Ser451Phe (NM_001281493.2, NM_001281494.2); short protein forms S623F, S753F, S451F.
Identifiers: ClinVar variation 820975 (VCV000820975.10), dbSNP rs876660934, ClinGen allele CA346752731.

ClinVar aggregate classification (germline): Conflicting classifications of pathogenicity. Review status: criteria provided, conflicting classifications (1 of 4 stars). 2 submissions from 2 submitters: Uncertain significance (1); Likely benign (1). Last evaluated 2022-08-08.

Conditions:
Hereditary nonpolyposis colorectal neoplasms. Identifiers: MedGen C0009405, MeSH D003123.
Hereditary cancer-predisposing syndrome. Also called: Neoplastic Syndromes, Hereditary; Tumor predisposition; Hereditary Cancer Syndrome; Hereditary neoplastic syndrome. Identifiers: Orphanet 140162, MedGen C0027672, MeSH D009386, MONDO:0015356.

gnomAD v4.1: 4 of 1,614,118 alleles (0.00025%); highest among the groups gnomAD compares: Non-Finnish European, 0.00034%; no homozygotes.

Submissions (2):

Labcorp Genetics (formerly Invitae), Labcorp
Classification: Uncertain significance for Hereditary nonpolyposis colorectal neoplasms. Last evaluated: 2022-08-08. Review status: criteria provided, single submitter. Criteria: Invitae Variant Classification Sherloc (09022015). Collection method: clinical testing. Allele origin: germline.
Comment: ClinVar contains an entry for this variant (Variation ID: 820975). In summary, the available evidence is currently insufficient to determine the role of this variant in disease. Therefore, it has been classified as a Variant of Uncertain Significance. Algorithms developed to predict the effect of missense changes on protein structure and function are either unavailable or do not agree on the potential impact of this missense change (SIFT: "Deleterious"; PolyPhen-2: "Probably Damaging"; Align-GVGD: "Class C15"). This variant has not been reported in the literature in individuals affected with MSH6-related conditions. This variant is not present in population databases (gnomAD no frequency). This sequence change replaces serine, which is neutral and polar, with phenylalanine, which is neutral and non-polar, at codon 753 of the MSH6 protein (p.Ser753Phe).

Ambry Genetics
Classification: Likely benign for Hereditary cancer-predisposing syndrome. Last evaluated: 2018-12-05. Review status: criteria provided, single submitter. Criteria: Ambry Variant Classification Scheme 2023. Collection method: clinical testing. Allele origin: germline.